The following is an entry in ClinVar:

ClinVar aggregate classification (germline): Uncertain significance. Review status: criteria provided, multiple submitters, no conflicts (2 of 4 stars). 4 submissions from 4 submitters: Uncertain significance (4). Last evaluated 2025-08-20.

Conditions:
Inborn genetic diseases. Identifiers: MedGen C0950123, MeSH D030342.
Hypokalemic periodic paralysis, type 1. Also called: HypoPP; Hypokalemic Periodic Paralysis Type 1 (AD). Identifiers: Orphanet 681, MedGen C3714580, MONDO:0042979, OMIM 170400.
Potassium-aggravated myotonia. Also called: MYOTONIA CONGENITA, ACETAZOLAMIDE-RESPONSIVE; MYOTONIA CONGENITA, ATYPICAL; SODIUM CHANNEL MUSCLE DISEASE; Myotonia congenita, atypical, acetazolamide-responsive. Identifiers: Orphanet 612, Orphanet 99734, Orphanet 99735, Orphanet 99736, MedGen C2931826, MONDO:0018959, OMIM 608390.
Hypokalemic periodic paralysis, type 2 (HOKPP2). Identifiers: Orphanet 681, MedGen C2750061, MONDO:0013234, OMIM 613345.
Paramyotonia congenita of Von Eulenburg. Also called: PARALYSIS PERIODICA PARAMYOTONICA; Paramyotonia Congenita; Eulenburg disease; Myotonia congenita intermittens; Von Eulenburg paramyotonia congenita. Identifiers: Orphanet 684, MedGen C0221055, MONDO:0008195, OMIM 168300. Disease mechanism: loss of function.
Hyperkalemic periodic paralysis. Also called: Familial hyperkalemic periodic paralysis; Gamstorp disease. Identifiers: Orphanet 682, MedGen C0238357, MONDO:0008224, OMIM 170500, HP:0007215.
Congenital myasthenic syndrome 16. Identifiers: Orphanet 590, MedGen C3280112, MONDO:0013620, OMIM 614198.

Allele frequency attached by ClinVar (database versions not stated): gnomAD exomes below 0.00001.

Submissions (4):

Ambry Genetics
Classification: Uncertain significance for Inborn genetic diseases. Last evaluated: 2025-08-20. Review status: criteria provided, single submitter. Criteria: Ambry Variant Classification Scheme 2023. Collection method: clinical testing. Allele origin: germline.

GeneDx
Classification: Uncertain significance. Last evaluated: 2025-07-10. Review status: criteria provided, single submitter. Criteria: GeneDx Variant Classification Process June 2021. Collection method: clinical testing. Allele origin: germline. Affected: yes.
Comment: Not observed at significant frequency in large population cohorts (gnomAD); In silico analysis suggests that this missense variant does not alter protein structure/function; Has not been previously published as pathogenic or benign to our knowledge

Labcorp Genetics (formerly Invitae), Labcorp
Classification: Uncertain significance for Hyperkalemic periodic paralysis. Last evaluated: 2022-07-14. Review status: criteria provided, single submitter. Criteria: Invitae Variant Classification Sherloc (09022015). Collection method: clinical testing. Allele origin: germline.
Comment: In summary, the available evidence is currently insufficient to determine the role of this variant in disease. Therefore, it has been classified as a Variant of Uncertain Significance. Algorithms developed to predict the effect of missense changes on protein structure and function are either unavailable or do not agree on the potential impact of this missense change (SIFT: "Deleterious"; PolyPhen-2: "Benign"; Align-GVGD: "Class C15"). ClinVar contains an entry for this variant (Variation ID: 1331145). This variant has not been reported in the literature in individuals affected with SCN4A-related conditions. This variant is present in population databases (no rsID available, gnomAD 0.0009%). This sequence change replaces glycine, which is neutral and non-polar, with arginine, which is basic and polar, at codon 515 of the SCN4A protein (p.Gly515Arg).

Fulgent Genetics
Classification: Uncertain significance for Paramyotonia congenita of Von Eulenburg; Hypokalemic periodic paralysis, type 1; Hyperkalemic periodic paralysis; Potassium-aggravated myotonia; Hypokalemic periodic paralysis, type 2; Congenital myasthenic syndrome 16. Last evaluated: 2021-07-16. Review status: criteria provided, single submitter. Criteria: ACMG Guidelines, 2015. Collection method: clinical testing. Allele origin: unknown.

NM_000334.4(SCN4A):c.1543G>A (p.Gly515Arg)

Gene: SCN4A (sodium voltage-gated channel alpha subunit 4; minus strand). Cytogenetic location: 17q23.3.
Variant type: single nucleotide variant.
Coding change: c.1543G>A on transcript NM_000334.4 (MANE Select); coding-DNA position 1543, G replaced by A.
Protein change: p.Gly515Arg; replaces glycine 515 with arginine.
Molecular consequence: missense variant.
Genome position (GRCh38, 1-based): chr17:63,963,735, C>T on the plus strand (G>A on the coding strand, the complement: SCN4A is on the minus strand). VCF-style: chr17-63963735-C-T. GRCh37 (hg19) VCF-style: chr17-62041095-C-T.
Other names: short protein forms G515R.
Identifiers: ClinVar variation 1331145 (VCV001331145.13), dbSNP rs1003243368, ClinGen allele CA292970839.
Genomic context (GRCh38, chr17:63,963,735, plus strand): 5'-CCATGGCGTCGGAGATGCCGCTGTCTCCGCTGCTGCTCTGCCTCGGGGCTCCCTTCTCCC[C>T]TTGCGATGTGTCCAGGCTGCCATTGCAGTCTTTGCCATGGGCTGGGTCCCCATCTGCCTC-3'
Protein context (NP_000325.4, residues 505-525): DCNGSLDTSQ[Gly515Arg]EKGAPRQSSS